The following is an entry in ClinVar:

NM_000548.5(TSC2):c.2112G>A (p.Lys704=)

Gene: TSC2 (TSC complex subunit 2; plus strand). Cytogenetic location: 16p13.3.
Variant type: single nucleotide variant.
Coding change: c.2112G>A on transcript NM_000548.5 (MANE Select); coding-DNA position 2112, G replaced by A.
Protein change: p.Lys704=; no amino-acid change (lysine 704 retained).
Molecular consequence: synonymous variant.
Genome position (GRCh38, 1-based): chr16:2,072,255, G>A. VCF-style: chr16-2072255-G-A. GRCh37 (hg19) VCF-style: chr16-2122256-G-A.
Other names: c.2112G>A, p.Lys704= (NM_001077183.3, NM_001114382.3, NM_001363528.2 and 3 more transcripts); c.2001G>A, p.Lys667= (NM_001318827.2); c.1965G>A, p.Lys655= (NM_001318829.2); c.1512G>A, p.Lys504= (NM_001318831.2); c.2145G>A, p.Lys715= (NM_001318832.2).
Identifiers: ClinVar variation 467924 (VCV000467924.12), dbSNP rs1555506423, ClinGen allele CA493042651.
Genomic context (GRCh38, chr16:2,072,255, plus strand): 5'-CTCTAGGGTCCAGAAGGCCCTGTCCTGACGCCTCCTCTCCTCGCAGGAGTCTGACTGGAA[G>A]GTGCTGAAGCTGGTTCTGGGCAGGCTGCCTGAGTCCCTGCGCTATAAAGTGCTCATCTTT-3'
Protein context (NP_000539.2, residues 694-714): LQCLKQESDW[Lys704=]VLKLVLGRLP

ClinVar aggregate classification (germline): Benign/Likely benign. Review status: criteria provided, multiple submitters, no conflicts (2 of 4 stars). 3 submissions from 3 submitters: Benign (1); Likely benign (2). Last evaluated 2025-05-19.

Conditions:
Tuberous sclerosis 2 (TSC2). Identifiers: Orphanet 805, MedGen C1860707, MONDO:0013199, OMIM 613254.
Hereditary cancer-predisposing syndrome. Also called: Hereditary neoplastic syndrome; Neoplastic Syndromes, Hereditary; Tumor predisposition; Hereditary Cancer Syndrome. Identifiers: Orphanet 140162, MedGen C0027672, MeSH D009386, MONDO:0015356.

Allele frequency attached by ClinVar (database versions not stated): gnomAD exomes below 0.00001; TOPMed below 0.00001.
gnomAD v4.1: 1 of 1,614,108 alleles (0.000062%); highest among the groups gnomAD compares: African/African-American, 0.0013%; no homozygotes.

Submissions (3):

Myriad Genetics, Inc.
Classification: Benign for Tuberous sclerosis 2. Last evaluated: 2025-05-19. Review status: criteria provided, single submitter. Criteria: Myriad Autosomal Dominant, Autosomal Recessive and X-Linked Classification Criteria (2023). Collection method: clinical testing. Allele origin: unknown.
Comment: This variant is considered benign. This variant is a silent/synonymous amino acid change and it is not expected to impact splicing.

Ambry Genetics
Classification: Likely benign for Hereditary cancer-predisposing syndrome. Last evaluated: 2024-04-16. Review status: criteria provided, single submitter. Criteria: Ambry Variant Classification Scheme 2023. Collection method: clinical testing. Allele origin: germline.

Labcorp Genetics (formerly Invitae), Labcorp
Classification: Likely benign for Tuberous sclerosis 2. Last evaluated: 2023-11-13. Review status: criteria provided, single submitter. Criteria: Invitae Variant Classification Sherloc (09022015). Collection method: clinical testing. Allele origin: germline.